The following is an entry in ClinVar:

NM_001161352.2(KCNMA1):c.2369_2371dup (p.Pro790_Leu791insSer)

Genes: KCNMA1-AS1 (KCNMA1 antisense RNA 1; plus strand), KCNMA1 (potassium calcium-activated channel subfamily M alpha 1; minus strand). Cytogenetic location: 10q22.3.
Variant type: Duplication.
Coding change: c.2369_2371dup on transcript NM_001161352.2 (MANE Select); coding-DNA positions 2369 to 2371, 3 bases duplicated (CCT; older notation c.2369_2371dupCCT).
Protein change: p.Pro790_Leu791insSer.
Genome position (GRCh38, 1-based): chr10:76,953,914-76,953,916, AGG duplicated on the plus strand (CCT on the coding strand, the reverse complement: KCNMA1 is on the minus strand). VCF-style (leftmost placement, unchanged base first): chr10-76953913-A-AAGG. GRCh37 (hg19) VCF-style: chr10-78713671-A-AAGG.
Other names: c.2207_2209dup, p.Pro736_Leu737insSer (NM_001014797.3, NM_001322835.2, NM_001322837.2); c.2195_2197dup, p.Pro732_Leu733insSer (NM_001161353.2, NM_001322832.2, NM_001410940.1 and 1 more transcripts); c.2045_2047dup, p.Pro682_Leu683insSer (NM_001271518.2); c.2204_2206dup, p.Pro735_Leu736insSer (NM_001271519.2, NM_001322829.2, NM_001322836.2); c.2216_2218dup, p.Pro739_Leu740insSer (NM_001322830.2); c.1742_1744dup, p.Pro581_Leu582insSer (NM_001322838.2).
Identifiers: ClinVar variation 3661774 (VCV003661774.2).
Genomic context (GRCh38, chr10:76,953,913, plus strand): 5'-GAGTCGTACTTCTTCACATTGGAGTCCATGTTGTCAATCTGATCATTGCCAGGAATTAAC[A>AAGG]AGGGGTCATGCCTGGGAAGAAAAGGACAGGAAAACCTAAGTGGAAAATGTGATAAATTAT-3'

ClinVar aggregate classification (germline): Uncertain significance (1 of 4 stars; one submission).

Conditions:
Generalized epilepsy-paroxysmal dyskinesia syndrome (PNKD3). Also called: Generalized epilepsy and paroxysmal dyskinesia; Paroxysmal nonkinesigenic dyskinesia, 3, with or without generalized epilepsy. Identifiers: Orphanet 79137, MedGen C5574945, MONDO:0012276, OMIM 609446.

Submission:

Labcorp Genetics (formerly Invitae), Labcorp
Classification: Uncertain significance for Generalized epilepsy-paroxysmal dyskinesia syndrome. Last evaluated: 2024-08-08. Review status: criteria provided, single submitter. Criteria: Invitae Variant Classification Sherloc (09022015). Collection method: clinical testing. Allele origin: germline.
Comment: This variant, c.2195_2197dup, results in the insertion of 1 amino acid(s) of the KCNMA1 protein (p.Pro732_Leu733insSer), but otherwise preserves the integrity of the reading frame. This variant is not present in population databases (gnomAD no frequency). This variant has not been reported in the literature in individuals affected with KCNMA1-related conditions. Experimental studies and prediction algorithms are not available or were not evaluated, and the functional significance of this variant is currently unknown. In summary, the available evidence is currently insufficient to determine the role of this variant in disease. Therefore, it has been classified as a Variant of Uncertain Significance.